The following is an entry in ClinVar:

ClinVar aggregate classification (germline): Likely benign (1 of 4 stars; one submission).

Submission:

CeGaT Center for Human Genetics Tuebingen
Classification: Likely benign. Last evaluated: 2025-02-01. Review status: criteria provided, single submitter. Criteria: CeGaT Center For Human Genetics Tuebingen Variant Classification Criteria Version 2. Collection method: clinical testing. Allele origin: germline. Affected: yes. Observed: 1 variant allele.
Comment: HSPD1: PM2:Supporting, BP4, BP7

NM_002156.5(HSPD1):c.816C>T (p.Val272=)

Gene: HSPD1 (heat shock protein family D (Hsp60) member 1; minus strand). Cytogenetic location: 2q33.1.
Variant type: single nucleotide variant.
Coding change: c.816C>T on transcript NM_002156.5 (MANE Select); coding-DNA position 816, C replaced by T.
Protein change: p.Val272=; no amino-acid change (valine 272 retained).
Molecular consequence: synonymous variant.
Genome position (GRCh38, 1-based): chr2:197,493,377, G>A on the plus strand (C>T on the coding strand, the complement: HSPD1 is on the minus strand). VCF-style: chr2-197493377-G-A. GRCh37 (hg19) VCF-style: chr2-198358101-G-A.
Other names: c.816C>T, p.Val272= (NM_199440.2).
Identifiers: ClinVar variation 3771520 (VCV003771520.13).
Genomic context (GRCh38, chr2:197,493,377, plus strand): 5'-TTATTACCTATTCAAGACGAGTGTACTTAGAGCTTCTCCATCAACATCTTCAGCGATTAT[G>A]ACCAAAGGCTTACGGTGAGCATTGGCAATTTCAAGAGCAGGTACAATGGACTGGATACTA-3'
Protein context (NP_002147.2, residues 262-282): EIANAHRKPL[Val272=]IIAEDVDGEA